The following is an entry in ClinVar:

ClinVar aggregate classification (germline): Uncertain significance. Review status: criteria provided, multiple submitters, no conflicts (2 of 4 stars). 2 submissions from 2 submitters: Uncertain significance (2). Last evaluated 2025-06-24.

Conditions:
CHD7-related CHARGE syndrome. Identifiers: MedGen CN380413, MONDO:1010178, OMIM 214800.
CHARGE syndrome (CHARGE). Also called: Hittner Hirsch Kreh syndrome; Coloboma, heart anomaly, choanal atresia, retardation, genital and ear anomalies; CHARGE association; Hall-Hittner syndrome; CHARGE ASSOCIATION--COLOBOMA, HEART ANOMALY, CHOANAL ATRESIA, RETARDATION, GENITAL AND EAR ANOMALIES. Identifiers: Orphanet 138, MedGen C0265354, MONDO:0008965.

Submissions (2):

3billion
Classification: Uncertain significance for CHD7-related CHARGE syndrome. Last evaluated: 2025-06-24. Review status: criteria provided, single submitter. Criteria: ACMG Guidelines, 2015. Collection method: clinical testing. Allele origin: germline. Affected: yes.
Comment: The variant is not observed in the gnomAD v4.1.0 dataset. Predicted Consequence/Location: Missense variant In silico tool predictions suggest damaging effect of the variant on gene or gene product [REVEL: 0.61 (>=0.6, sensitivity 0.68 and specificity 0.92)]. The variant has been reported as of uncertain significance (ClinVar ID: VCV001002997). Different missense changes at the same codon have been reported as of uncertain significance (ClinVar ID: VCV001213222, VCV000908769). Therefore, this variant is classified as VUS according to the recommendation of ACMG/AMP guideline.

Labcorp Genetics (formerly Invitae), Labcorp
Classification: Uncertain significance for CHARGE syndrome. Last evaluated: 2020-09-25. Review status: criteria provided, single submitter. Criteria: Invitae Variant Classification Sherloc (09022015). Collection method: clinical testing. Allele origin: germline.
Comment: This variant is not present in population databases (ExAC no frequency). This sequence change replaces arginine with proline at codon 809 of the CHD7 protein (p.Arg809Pro). The arginine residue is highly conserved and there is a moderate physicochemical difference between arginine and proline. This variant has been observed in individual(s) with clinical features of CHARGE syndrome (Invitae). Algorithms developed to predict the effect of missense changes on protein structure and function are either unavailable or do not agree on the potential impact of this missense change (SIFT: "Deleterious"; PolyPhen-2: "Probably Damaging"; Align-GVGD: "Class C0"). In summary, the available evidence is currently insufficient to determine the role of this variant in disease. Therefore, it has been classified as a Variant of Uncertain Significance.

NM_017780.4(CHD7):c.2426G>C (p.Arg809Pro)

Gene: CHD7 (chromodomain helicase DNA binding protein 7; plus strand). Cytogenetic location: 8q12.2.
Variant type: single nucleotide variant.
Coding change: c.2426G>C on transcript NM_017780.4 (MANE Select); coding-DNA position 2426, G replaced by C.
Protein change: p.Arg809Pro; replaces arginine 809 with proline.
Molecular consequence: missense variant. On other transcripts: intron variant (1).
Genome position (GRCh38, 1-based): chr8:60,801,577, G>C. VCF-style: chr8-60801577-G-C. GRCh37 (hg19) VCF-style: chr8-61714136-G-C.
Other names: c.1716+20527G>C (NM_001316690.1); short protein forms R809P.
Identifiers: ClinVar variation 1002997 (VCV001002997.9), dbSNP rs1313215076, ClinGen allele CA371301539.